The following is an entry in ClinVar:

NM_016219.5(MAN1B1):c.1480G>A (p.Val494Ile)

Gene: MAN1B1 (mannosidase alpha class 1B member 1; plus strand). Cytogenetic location: 9q34.3.
Variant type: single nucleotide variant.
Coding change: c.1480G>A on transcript NM_016219.5 (MANE Select); coding-DNA position 1480, G replaced by A.
Protein change: p.Val494Ile; replaces valine 494 with isoleucine.
Molecular consequence: missense variant. On other transcripts: non-coding transcript variant (2).
Genome position (GRCh38, 1-based): chr9:137,106,723, G>A. VCF-style: chr9-137106723-G-A. GRCh37 (hg19) VCF-style: chr9-140001175-G-A.
Other names: c.1372G>A, p.Val458Ile (NM_007230.1); short protein forms V458I, V494I.
Identifiers: ClinVar variation 2900320 (VCV002900320.2), dbSNP rs371118781, ClinGen allele CA5359245.

ClinVar aggregate classification (germline): Uncertain significance (1 of 4 stars; one submission).

Conditions:
Rafiq syndrome (RAFQS). Identifiers: Orphanet 88616, MedGen C3280127, MONDO:0013624, OMIM 614202.

Allele frequency attached by ClinVar (database versions not stated): ExAC 0.00001; gnomAD exomes 0.00001; TOPMed 0.00006; gnomAD 0.00007; ESP Exome Variant Server 0.00008; 1000 Genomes Project 0.00020; 1000 Genomes Project 30x 0.00031.
gnomAD v4.1: 24 of 1,613,510 alleles (0.0015%); highest among the groups gnomAD compares: African/African-American, 0.027%; no homozygotes.

Submission:

Labcorp Genetics (formerly Invitae), Labcorp
Classification: Uncertain significance for Rafiq syndrome. Last evaluated: 2024-10-08. Review status: criteria provided, single submitter. Criteria: Invitae Variant Classification Sherloc (09022015). Collection method: clinical testing. Allele origin: germline.
Comment: This sequence change replaces valine, which is neutral and non-polar, with isoleucine, which is neutral and non-polar, at codon 494 of the MAN1B1 protein (p.Val494Ile). This variant is present in population databases (rs371118781, gnomAD 0.02%). This variant has not been reported in the literature in individuals affected with MAN1B1-related conditions. An algorithm developed to predict the effect of missense changes on protein structure and function outputs the following: PolyPhen-2: "Benign". The isoleucine amino acid residue is found in multiple mammalian species, which suggests that this missense change does not adversely affect protein function. In summary, the available evidence is currently insufficient to determine the role of this variant in disease. Therefore, it has been classified as a Variant of Uncertain Significance.